The following is an entry in ClinVar:

NM_031935.3(HMCN1):c.8785C>G (p.Gln2929Glu)

Gene: HMCN1 (hemicentin 1; plus strand). Cytogenetic location: 1q31.1.
Variant type: single nucleotide variant.
Coding change: c.8785C>G on transcript NM_031935.3 (MANE Select); coding-DNA position 8785, C replaced by G.
Protein change: p.Gln2929Glu; replaces glutamine 2929 with glutamic acid.
Molecular consequence: missense variant.
Genome position (GRCh38, 1-based): chr1:186,081,392, C>G. VCF-style: chr1-186081392-C-G. GRCh37 (hg19) VCF-style: chr1-186050524-C-G.
Other names: short protein forms Q2929E.
Identifiers: ClinVar variation 2091132 (VCV002091132.4), dbSNP rs2527861344, ClinGen allele CA343915863.
Genomic context (GRCh38, chr1:186,081,392, plus strand): 5'-GATGGACAGCCCTTGCTAGAAGATGACCATCATAAATTTCTATCTAATGGACGAATTCTG[C>G]AGGTAAAAGTAAAGAAAGATCTAATTTTAAAAGAGCTATTTGACTTTGCACTTTGTAATA-3'
Protein context (NP_114141.2, residues 2919-2939): HKFLSNGRIL[Gln2929Glu]ILNTQITDIG

ClinVar aggregate classification (germline): Uncertain significance (1 of 4 stars; one submission).

Allele frequency attached by ClinVar (database versions not stated): gnomAD exomes below 0.00001.
gnomAD v4.1: 4 of 1,605,258 alleles (0.00025%); highest among the groups gnomAD compares: Non-Finnish European, 0.00034%; no homozygotes.

Submission:

Labcorp Genetics (formerly Invitae), Labcorp
Classification: Uncertain significance. Last evaluated: 2025-02-03. Review status: criteria provided, single submitter. Criteria: Invitae Variant Classification Sherloc (09022015). Collection method: clinical testing. Allele origin: germline.
Comment: This sequence change replaces glutamine, which is neutral and polar, with glutamic acid, which is acidic and polar, at codon 2929 of the HMCN1 protein (p.Gln2929Glu). This variant is not present in population databases (gnomAD no frequency). This variant has not been reported in the literature in individuals affected with HMCN1-related conditions. ClinVar contains an entry for this variant (Variation ID: 2091132). An algorithm developed to predict the effect of missense changes on protein structure and function (PolyPhen-2) suggests that this variant is likely to be disruptive. In summary, the available evidence is currently insufficient to determine the role of this variant in disease. Therefore, it has been classified as a Variant of Uncertain Significance.